The following is an entry in ClinVar:

NM_032888.4(COL27A1):c.3965C>A (p.Pro1322His)

Gene: COL27A1 (collagen type XXVII alpha 1 chain; plus strand). Cytogenetic location: 9q32.
Variant type: single nucleotide variant.
Coding change: c.3965C>A on transcript NM_032888.4 (MANE Select); coding-DNA position 3965, C replaced by A.
Protein change: p.Pro1322His; replaces proline 1322 with histidine.
Molecular consequence: missense variant.
Genome position (GRCh38, 1-based): chr9:114,284,755, C>A. VCF-style: chr9-114284755-C-A. GRCh37 (hg19) VCF-style: chr9-117047035-C-A.
Other names: short protein forms P1322H.
Identifiers: ClinVar variation 3234470 (VCV003234470.20), dbSNP rs1827340445, ClinGen allele CA374599147.

ClinVar aggregate classification (germline): Uncertain significance (1 of 4 stars; one submission).

Submission:

CeGaT Center for Human Genetics Tuebingen
Classification: Uncertain significance. Last evaluated: 2024-04-01. Review status: criteria provided, single submitter. Criteria: CeGaT Center For Human Genetics Tuebingen Variant Classification Criteria Version 2. Collection method: clinical testing. Allele origin: germline. Affected: yes. Observed: 1 variant allele.
Comment: COL27A1: PM2